The following is an entry in ClinVar:

NM_000574.5(CD55):c.155G>C (p.Arg52Pro)

Gene: CD55 (CD55 molecule (Cromer blood group); plus strand). Cytogenetic location: 1q32.2.
Variant type: single nucleotide variant.
Coding change: c.155G>C on transcript NM_000574.5 (MANE Select); coding-DNA position 155, G replaced by C.
Protein change: p.Arg52Pro; replaces arginine 52 with proline.
Molecular consequence: missense variant. On other transcripts: non-coding transcript variant (1).
Genome position (GRCh38, 1-based): chr1:207,322,436, G>C. VCF-style: chr1-207322436-G-C. GRCh37 (hg19) VCF-style: chr1-207495781-G-C.
Other names: p.Arg52Pro; c.155G>C, p.Arg52Pro (NM_001114752.3, NM_001300902.2, NM_001300903.2 and 1 more transcripts); short protein forms R52P.
Identifiers: ClinVar variation 1285095 (VCV001285095.16), dbSNP rs28371588, ClinGen allele CA1367913.

ClinVar aggregate classification (germline): Conflicting classifications of pathogenicity. Review status: criteria provided, conflicting classifications (1 of 4 stars). 6 submissions from 6 submitters: Uncertain significance (3); Likely benign (1). 2 of the submissions do not count toward it. Last evaluated 2026-01-05.

Allele frequency attached by ClinVar (database versions not stated): 1000 Genomes Project 0.00040; 1000 Genomes Project 30x 0.00062.
gnomAD v4.1: 523 of 1,614,142 alleles (0.032%); highest among the groups gnomAD compares: Admixed American, 0.085%; 1 homozygote.

Submissions (6):

Labcorp Genetics (formerly Invitae), Labcorp
Classification: Uncertain significance. Last evaluated: 2026-01-05. Review status: criteria provided, single submitter. Criteria: Invitae Variant Classification Sherloc (09022015). Collection method: clinical testing. Allele origin: germline.
Comment: This sequence change replaces arginine, which is basic and polar, with proline, which is neutral and non-polar, at codon 52 of the CD55 protein (p.Arg52Pro). This variant is present in population databases (rs28371588, gnomAD 0.07%). This missense change has been observed in individual(s) with Cromer blood group antigen, but has not been reported in individuals with CD55-related disease (PMID: 10686005). This variant is also known as R18P. The CD55 gene is also known as DAF. ClinVar contains an entry for this variant (Variation ID: 1285095). Invitae Evidence Modeling of protein sequence and biophysical properties (such as structural, functional, and spatial information, amino acid conservation, physicochemical variation, residue mobility, and thermodynamic stability) indicates that this missense variant is not expected to disrupt CD55 protein function with a negative predictive value of 80%. In summary, the available evidence is currently insufficient to determine the role of this variant in disease. Therefore, it has been classified as a Variant of Uncertain Significance.

CeGaT Center for Human Genetics Tuebingen
Classification: Likely benign. Last evaluated: 2025-07-01. Review status: criteria provided, single submitter. Criteria: CeGaT Center For Human Genetics Tuebingen Variant Classification Criteria Version 2. Collection method: clinical testing. Allele origin: germline. Affected: yes. Observed: 1 variant allele.
Comment: CD55: BP4

Mayo Clinic Laboratories, Mayo Clinic
Classification: Uncertain significance. Last evaluated: 2025-06-10. Review status: criteria provided, single submitter. Criteria: ACMG Guidelines, 2015. Collection method: clinical testing. Allele origin: germline. Observed: 2 variant alleles.
Comment: BP4_moderate

Breakthrough Genomics
Classification: Uncertain significance. Review status: criteria provided, single submitter. Criteria: ACMG Guidelines, 2015. Collection method: not provided. Allele origin: germline. Inheritance: Autosomal recessive inheritance. Affected: yes.

Clinical Genetics DNA and cytogenetics Diagnostics Lab, Erasmus MC, Erasmus Medical Center
Classification: Likely benign. Review status: no assertion criteria provided. Collection method: clinical testing. Allele origin: germline. Affected: yes. Study: VKGL Data-share Consensus. Not counted in ClinVar's aggregate classification.

Genome Diagnostics Laboratory, University Medical Center Utrecht
Classification: Likely benign. Review status: no assertion criteria provided. Collection method: clinical testing. Allele origin: germline. Affected: yes. Study: VKGL Data-share Consensus. Not counted in ClinVar's aggregate classification.

Literature cited by the submitters: PubMed 10686005 (cited by Labcorp Genetics (formerly Invitae), Labcorp and Mayo Clinic Laboratories, Mayo Clinic); PubMed 34591381 (cited by Mayo Clinic Laboratories, Mayo Clinic).